The following is an entry in ClinVar:

NM_002633.3(PGM1):c.184G>C (p.Asp62His)

Genes: PGM1 (phosphoglucomutase 1; plus strand), LOC129930668 (ATAC-STARR-seq lymphoblastoid active region 1127; plus strand). Cytogenetic location: 1p31.3.
Variant type: single nucleotide variant.
Coding change: c.184G>C on transcript NM_002633.3 (MANE Select); coding-DNA position 184, G replaced by C.
Protein change: p.Asp62His; replaces aspartic acid 62 with histidine.
Molecular consequence: missense variant.
Genome position (GRCh38, 1-based): chr1:63,593,672, G>C. VCF-style: chr1-63593672-G-C. GRCh37 (hg19) VCF-style: chr1-64059343-G-C.
Other names: short protein forms D62H.
Identifiers: ClinVar variation 133288 (VCV000133288.9), dbSNP rs587777403, ClinGen allele CA156392.

ClinVar aggregate classification (germline): Conflicting classifications of pathogenicity. Review status: criteria provided, conflicting classifications (1 of 4 stars). 4 submissions from 4 submitters: Pathogenic (1); Likely pathogenic (1); Uncertain significance (1). 1 of the submissions does not count toward it. Last evaluated 2024-02-22.

Conditions:
PGM1-congenital disorder of glycosylation. Also called: Congenital disorder of glycosylation type 1t; PHOSPHOGLUCOMUTASE 1 DEFICIENCY; PGM1 DEFICIENCY; GLYCOGEN STORAGE DISEASE XIV; GSD XIV; CDG It. Identifiers: Orphanet 319646, MedGen C2752015, MONDO:0013968, OMIM 614921.

Allele frequency attached by ClinVar (database versions not stated): gnomAD exomes below 0.00001.
gnomAD v4.1: 2 of 1,607,040 alleles (0.00012%); highest among the groups gnomAD compares: Admixed American, 0.0034%; no homozygotes.

Submissions (4):

Revvity Omics, Revvity
Classification: Likely pathogenic for PGM1-congenital disorder of glycosylation. Last evaluated: 2024-02-22. Review status: criteria provided, single submitter. Criteria: ACMG Guidelines, 2015. Collection method: clinical testing. Allele origin: germline.

Labcorp Genetics (formerly Invitae), Labcorp
Classification: Uncertain significance for PGM1-congenital disorder of glycosylation. Last evaluated: 2024-01-07. Review status: criteria provided, single submitter. Criteria: Invitae Variant Classification Sherloc (09022015). Collection method: clinical testing. Allele origin: germline.
Comment: This sequence change replaces aspartic acid, which is acidic and polar, with histidine, which is basic and polar, at codon 62 of the PGM1 protein (p.Asp62His). This variant is present in population databases (no rsID available, gnomAD 0.003%). This missense change has been observed in individual(s) with PGM1-related conditions (PMID: 24499211). ClinVar contains an entry for this variant (Variation ID: 133288). Advanced modeling of protein sequence and biophysical properties (such as structural, functional, and spatial information, amino acid conservation, physicochemical variation, residue mobility, and thermodynamic stability) performed at Invitae indicates that this missense variant is expected to disrupt PGM1 protein function with a positive predictive value of 80%. Experimental studies have shown that this missense change affects PGM1 function (PMID: 25288802). In summary, the available evidence is currently insufficient to determine the role of this variant in disease. Therefore, it has been classified as a Variant of Uncertain Significance.

Eurofins Ntd Llc (ga)
Classification: Pathogenic. Last evaluated: 2018-06-06. Review status: criteria provided, single submitter. Criteria: EGL ClinVar v180209 classification definitions. Collection method: clinical testing. Allele origin: germline. Observed: 1 variant allele, 1 homozygote.

OMIM
Classification: Pathogenic for CONGENITAL DISORDER OF GLYCOSYLATION, TYPE It. Last evaluated: 2014-02-06. Review status: no assertion criteria provided. Collection method: literature only. Allele origin: germline. Not counted in ClinVar's aggregate classification.

Literature cited by the submitters: PubMed 24499211 (cited by 3 submitters); PubMed 25288802 (cited by Labcorp Genetics (formerly Invitae), Labcorp and Eurofins Ntd Llc (ga)).